The following is an entry in ClinVar:

ClinVar aggregate classification (germline): Pathogenic/Likely pathogenic. Review status: criteria provided, multiple submitters, no conflicts (2 of 4 stars). 2 submissions from 2 submitters: Pathogenic (1); Likely pathogenic (1). Last evaluated 2024-03-17.

Conditions:
Autosomal recessive congenital ichthyosis 4A (LI2). Also called: ICHTHYOSIS CONGENITA IIB. Identifiers: Orphanet 313, MedGen C1832550, MONDO:0011026, OMIM 601277.
Autosomal recessive congenital ichthyosis 4B (ARCI4B). Also called: HARLEQUIN ICHTHYOSIS; Harlequin Fetus; ICHTHYOSIS CONGENITA, HARLEQUIN FETUS TYPE; Ichthyosis, congenital, autosomal recessive 4B (harlequin). Identifiers: Orphanet 457, MedGen C0598226, MONDO:0009443, OMIM 242500.

Submissions (2):

Labcorp Genetics (formerly Invitae), Labcorp
Classification: Pathogenic. Last evaluated: 2024-03-17. Review status: criteria provided, single submitter. Criteria: Invitae Variant Classification Sherloc (09022015). Collection method: clinical testing. Allele origin: germline.
Comment: This sequence change creates a premature translational stop signal (p.Asn528Ilefs*5) in the ABCA12 gene. It is expected to result in an absent or disrupted protein product. Loss-of-function variants in ABCA12 are known to be pathogenic (PMID: 20672373). This variant is not present in population databases (gnomAD no frequency). This variant has not been reported in the literature in individuals affected with ABCA12-related conditions. For these reasons, this variant has been classified as Pathogenic.

Fulgent Genetics
Classification: Likely pathogenic for Autosomal recessive congenital ichthyosis 4B; Autosomal recessive congenital ichthyosis 4A. Last evaluated: 2024-01-05. Review status: criteria provided, single submitter. Criteria: ACMG Guidelines, 2015. Collection method: clinical testing. Allele origin: germline.

Literature cited by the submitters: PubMed 20672373 (cited by Labcorp Genetics (formerly Invitae), Labcorp).

NM_173076.3(ABCA12):c.1583del (p.Asn528fs)

Gene: ABCA12 (ATP binding cassette subfamily A member 12; minus strand). Cytogenetic location: 2q35.
Variant type: Deletion.
Coding change: c.1583del on transcript NM_173076.3 (MANE Select); coding-DNA position 1583, one base deleted (A; older notation c.1583delA).
Protein change: p.Asn528fs; shifts the reading frame from asparagine 528.
Molecular consequence: frameshift variant. On other transcripts: non-coding transcript variant (1).
Genome position (GRCh38, 1-based): chr2:215,019,410, T deleted on the plus strand (A on the coding strand, the reverse complement: ABCA12 is on the minus strand); the first of 4 consecutive T bases (chr2:215,019,410-215,019,413); deleting any one gives the same sequence. VCF-style (leftmost placement, unchanged base first): chr2-215019409-AT-A. GRCh37 (hg19) VCF-style: chr2-215884133-AT-A.
Other names: c.629del, p.Asn210fs (NM_015657.4); short protein forms N210fs, N528fs.
Identifiers: ClinVar variation 3585394 (VCV003585394.3).